The following is an entry in ClinVar:

NM_004364.5(CEBPA):c.134_163del (p.Pro45_Ile55delinsLeu)

Gene: CEBPA (CCAAT enhancer binding protein alpha; minus strand). Cytogenetic location: 19q13.11.
Variant type: Deletion.
Coding change: c.134_163del on transcript NM_004364.5 (MANE Select); coding-DNA positions 134 to 163, 30 bases deleted (CACCTGCCGCCCCGGAGCCGCTGGGCGGCA).
Protein change: p.Pro45_Ile55delinsLeu.
Molecular consequence: inframe indel. On other transcripts: 5 prime UTR variant (1).
Genome position (GRCh38, 1-based): chr19:33,302,252-33,302,281, TGCCGCCCAGCGGCTCCGGGGCGGCAGGTG deleted on the plus strand (CACCTGCCGCCCCGGAGCCGCTGGGCGGCA on the coding strand, the reverse complement: CEBPA is on the minus strand). VCF-style (leftmost placement, unchanged base first): chr19-33302251-ATGCCGCCCAGCGGCTCCGGGGCGGCAGGTG-A. GRCh37 (hg19) VCF-style: chr19-33793157-ATGCCGCCCAGCGGCTCCGGGGCGGCAGGTG-A.
Other names: c.-224_-195del (NM_001285829.2); c.239_268del, p.Pro80_Ile90delinsLeu (NM_001287424.2); c.92_121del, p.Pro31_Ile41delinsLeu (NM_001287435.2); c.134_163del30 (NM_004364.3).
Identifiers: ClinVar variation 1007268 (VCV001007268.10), dbSNP rs1346240180, ClinGen allele CA633069973.

ClinVar aggregate classification (germline): Uncertain significance. Review status: criteria provided, multiple submitters, no conflicts (2 of 4 stars). 2 submissions from 2 submitters: Uncertain significance (2). Last evaluated 2025-01-25.

Conditions:
Inborn genetic diseases. Identifiers: MedGen C0950123, MeSH D030342.
Acute myeloid leukemia (AML). Also called: Acute myeloid leukemia, adult; AML adult; Acute non-lymphocytic leukemia; Acute granulocytic leukemia; Leukemia, acute myelogenous, somatic; Leukemia, acute myeloid, somatic. Identifiers: Orphanet 519, MedGen C0023467, MeSH D015470, MONDO:0018874, OMIM 601626, HP:0004808. Disease mechanism: Constitutively activated FLT3.

Allele frequency attached by ClinVar (database versions not stated): gnomAD exomes below 0.00001; gnomAD 0.00001.

Submissions (2):

Ambry Genetics
Classification: Uncertain significance for Inborn genetic diseases. Last evaluated: 2025-01-25. Review status: criteria provided, single submitter. Criteria: Ambry Variant Classification Scheme 2023. Collection method: clinical testing. Allele origin: germline.
Comment: The c.134_163del30 variant (also known as p.P45_I55delinsL) is located in coding exon 1 of the CEBPA gene. This variant results from an in-frame deletion of 30 nucleotides at nucleotide positions 134 to 163. This results in the deletion of 10 amino acids and an insertion of a leucine residue at codons 45 to 55. This amino acid region is not well conserved in available vertebrate species. In addition, this alteration is predicted to be deleterious by in silico analysis (Choi Y et al. PLoS ONE. 2012; 7(10):e46688). Based on the available evidence, the clinical significance of this variant remains unclear.

Labcorp Genetics (formerly Invitae), Labcorp
Classification: Uncertain significance for Acute myeloid leukemia. Last evaluated: 2023-08-18. Review status: criteria provided, single submitter. Criteria: Invitae Variant Classification Sherloc (09022015). Collection method: clinical testing. Allele origin: germline.
Comment: This variant, c.134_163del, is a complex sequence change that results in the deletion of 11 and insertion of 1 amino acid(s) in the CEBPA protein (p.Pro45_Ile55delinsLeu). The frequency data for this variant in the population databases is considered unreliable, as metrics indicate poor data quality at this position in the gnomAD database. This variant has not been reported in the literature in individuals affected with CEBPA-related conditions. ClinVar contains an entry for this variant (Variation ID: 1007268). Experimental studies and prediction algorithms are not available or were not evaluated, and the functional significance of this variant is currently unknown. In summary, the available evidence is currently insufficient to determine the role of this variant in disease. Therefore, it has been classified as a Variant of Uncertain Significance.